The following is an entry in ClinVar:

NM_001077350.3(NPRL3):c.553G>C (p.Glu185Gln)

Genes: HBA-LCR (alpha-globin locus control region; plus strand), NPRL3 (NPR3 like, GATOR1 complex subunit; minus strand). Cytogenetic location: 16p13.3.
Variant type: single nucleotide variant.
Coding change: c.553G>C on transcript NM_001077350.3 (MANE Select); coding-DNA position 553, G replaced by C.
Protein change: p.Glu185Gln; replaces glutamic acid 185 with glutamine.
Molecular consequence: missense variant.
Genome position (GRCh38, 1-based): chr16:110,601, C>G on the plus strand (G>C on the coding strand, the complement: NPRL3 is on the minus strand). VCF-style: chr16-110601-C-G. GRCh37 (hg19) VCF-style: chr16-160599-C-G.
Other names: c.16G>C, p.Glu6Gln (NM_001039476.3); c.319G>C, p.Glu107Gln (NM_001243247.2); c.478G>C, p.Glu160Gln (NM_001243248.2, NM_001243249.2); short protein forms E185Q, E6Q, E107Q, E160Q.
Identifiers: ClinVar variation 3003477 (VCV003003477.3), dbSNP rs1188792699, ClinGen allele CA393992999.

ClinVar aggregate classification (germline): Uncertain significance (1 of 4 stars; one submission).

Conditions:
Epilepsy, familial focal, with variable foci 3 (FFEVF3). Identifiers: MedGen C4310708, MONDO:0014925, OMIM 617118.

Allele frequency attached by ClinVar (database versions not stated): gnomAD exomes below 0.00001; gnomAD 0.00001; TOPMed 0.00001.
gnomAD v4.1: 3 of 1,607,734 alleles (0.00019%); highest among the groups gnomAD compares: Non-Finnish European, 0.00025%; no homozygotes.

Submission:

Labcorp Genetics (formerly Invitae), Labcorp
Classification: Uncertain significance for Epilepsy, familial focal, with variable foci 3. Last evaluated: 2023-11-27. Review status: criteria provided, single submitter. Criteria: Invitae Variant Classification Sherloc (09022015). Collection method: clinical testing. Allele origin: germline.
Comment: This sequence change replaces glutamic acid, which is acidic and polar, with glutamine, which is neutral and polar, at codon 185 of the NPRL3 protein (p.Glu185Gln). This variant is not present in population databases (gnomAD no frequency). This variant has not been reported in the literature in individuals affected with NPRL3-related conditions. Advanced modeling of protein sequence and biophysical properties (such as structural, functional, and spatial information, amino acid conservation, physicochemical variation, residue mobility, and thermodynamic stability) performed at Invitae indicates that this missense variant is not expected to disrupt NPRL3 protein function with a negative predictive value of 80%. In summary, the available evidence is currently insufficient to determine the role of this variant in disease. Therefore, it has been classified as a Variant of Uncertain Significance.